The following is an entry in ClinVar:

NM_001093.4(ACACB):c.6088A>G (p.Ile2030Val)

Gene: ACACB (acetyl-CoA carboxylase beta; plus strand). Cytogenetic location: 12q24.11.
Variant type: single nucleotide variant.
Coding change: c.6088A>G on transcript NM_001093.4 (MANE Select); coding-DNA position 6088, A replaced by G.
Protein change: p.Ile2030Val; replaces isoleucine 2030 with valine.
Molecular consequence: missense variant.
Genome position (GRCh38, 1-based): chr12:109,254,256, A>G. VCF-style: chr12-109254256-A-G. GRCh37 (hg19) VCF-style: chr12-109692061-A-G.
Other names: c.6088A>G, p.Ile2030Val (NM_001412734.1, NM_001412735.1); c.5482A>G, p.Ile1828Val (NM_001412736.1); c.5461A>G, p.Ile1821Val (NM_001412737.1); c.5293A>G, p.Ile1765Val (NM_001412738.1); c.6088A>G (NM_001093.3); short protein forms I1765V, I1821V, I1828V, I2030V.
Identifiers: ClinVar variation 2643268 (VCV002643268.26), dbSNP rs76447919, ClinGen allele CA6774959.

ClinVar aggregate classification (germline): Conflicting classifications of pathogenicity. Review status: criteria provided, conflicting classifications (1 of 4 stars). 3 submissions from 3 submitters: Uncertain significance (1); Benign (1). 1 of the submissions does not count toward it. Last evaluated 2025-08-05.

Conditions:
ACACB-related disorder. Also called: ACACB-related condition.

Allele frequency attached by ClinVar (database versions not stated): gnomAD exomes 0.00021; ExAC 0.00060; 1000 Genomes Project 0.00140; 1000 Genomes Project 30x 0.00187; gnomAD 0.00209; TOPMed 0.00226; ESP Exome Variant Server 0.00246.
gnomAD v4.1: 628 of 1,613,812 alleles (0.039%); highest among the groups gnomAD compares: African/African-American, 0.74%; 2 homozygotes.

Submissions (3):

Ambry Genetics
Classification: Uncertain significance. Last evaluated: 2025-08-05. Review status: criteria provided, single submitter. Criteria: Ambry Variant Classification Scheme 2023. Collection method: clinical testing. Allele origin: germline.

CeGaT Center for Human Genetics Tuebingen
Classification: Benign. Last evaluated: 2022-09-01. Review status: criteria provided, single submitter. Criteria: CeGaT Center For Human Genetics Tuebingen Variant Classification Criteria Version 2. Collection method: clinical testing. Allele origin: germline. Affected: yes. Observed: 1 variant allele.
Comment: ACACB: BS1, BS2

PreventionGenetics, part of Exact Sciences
Classification: Benign for ACACB-related condition. Last evaluated: 2020-01-06. Review status: no assertion criteria provided. Collection method: clinical testing. Allele origin: germline. Not counted in ClinVar's aggregate classification.
Comment: This variant is classified as benign based on ACMG/AMP sequence variant interpretation guidelines (Richards et al. 2015 PMID: 25741868, with internal and published modifications).